The following is an entry in ClinVar:

NM_000492.4(CFTR):c.662C>G (p.Ala221Gly)

Gene: CFTR (CF transmembrane conductance regulator; plus strand). Cytogenetic location: 7q31.2.
Variant type: single nucleotide variant.
Coding change: c.662C>G on transcript NM_000492.4 (MANE Select); coding-DNA position 662, C replaced by G.
Protein change: p.Ala221Gly; replaces alanine 221 with glycine.
Molecular consequence: missense variant.
Genome position (GRCh38, 1-based): chr7:117,535,330, C>G. VCF-style: chr7-117535330-C-G. GRCh37 (hg19) VCF-style: chr7-117175384-C-G.
Other names: short protein forms A221G.
Identifiers: ClinVar variation 1754561 (VCV001754561.3), dbSNP rs752432390, ClinGen allele CA368976983.

ClinVar aggregate classification (germline): Uncertain significance (1 of 4 stars; one submission).

Conditions:
Cystic fibrosis (CF). Also called: MUCOVISCIDOSIS. Identifiers: Orphanet 586, MedGen C0010674, MONDO:0009061, OMIM 219700. Disease mechanism: loss of function.

Submission:

Ambry Genetics
Classification: Uncertain significance for Cystic fibrosis. Last evaluated: 2025-03-16. Review status: criteria provided, single submitter. Criteria: Ambry Variant Classification Scheme 2023. Collection method: clinical testing. Allele origin: germline.
Comment: The p.A221G variant (also known as c.662C>G), located in coding exon 6 of the CFTR gene, results from a C to G substitution at nucleotide position 662. The alanine at codon 221 is replaced by glycine, an amino acid with similar properties. This amino acid position is conserved. In addition, the in silico prediction for this alteration is inconclusive. Since supporting evidence is limited at this time, the clinical significance of this alteration remains unclear.